The following is an entry in ClinVar:

NC_012920.1(MT-TW):m.5516A>G

Gene: MT-TW (mitochondrially encoded tRNA tryptophan; plus strand).
Variant type: single nucleotide variant.
Genome position: chrM-5516-A-G.
Identifiers: ClinVar variation 689924 (VCV000689924.1), dbSNP rs1603220001, ClinGen allele CA913179718.
Genomic context (GRCh38, chrMT:5,516, plus strand): 5'-CATCGCCCTTACCACGCTACTCCTACCTATCTCCCCTTTTATACTAATAATCTTATAGAA[A>G]TTTAGGTTAAATACAGACCAAGAGCCTTCAAAGCCCTCAGTAAGTTGCAATACTTAATTT-3'

ClinVar aggregate classification (germline): Likely benign (1 of 4 stars; one submission).

Conditions:
MELAS syndrome (MELAS). Also called: Juvenile myopathy, encephalopathy, lactic acidosis, stroke. Identifiers: Orphanet 550, MedGen C0162671, MONDO:0010789, OMIM 540000.

Submission:

Wong Mito Lab, Molecular and Human Genetics, Baylor College of Medicine
Classification: Likely benign for MELAS syndrome. Last evaluated: 2019-07-12. Review status: criteria provided, single submitter. Criteria: Modified ACMG Guidelines (Unpublished). Collection method: clinical testing. Allele origin: germline.
Comment: The NC_012920.1:m.5516A>G variant in MT-TW gene is interpreted to be a Likely Benign variant based on the modified ACMG guidelines (unpublished). This variant meets the following evidence codes reported in the guidelines: BS1, BP4, BP6

Literature cited by the submitters: PubMed 31965079.